The following is an entry in ClinVar:

NCBI36/hg18 2p22.3(chr2:35675510-35931201)x1

Variant type: copy number loss.
Identifiers: ClinVar variation 400867 (VCV000400867.2).

ClinVar aggregate classification (germline): Benign/Likely benign (0 of 4 stars; one submission).

Submission:

ISCA site 19
Classification: Benign/Likely benign. Review status: no assertion criteria provided. Collection method: clinical testing. Allele origin: unknown. Affected: yes. Observed: 9 variant alleles. Clinical features observed: Developmental delay AND/OR other significant developmental or morphological phenotypes, Global developmental delay (HP:0001263).
Comment: Likely benign (1), Benign (8)

Copy number variation identified through the course of routine clinical cytogenomic testing in postnatal populations, with clinical assertions as classified by the original submitter. For data from the original published study, Kaminsky, et al. 2011 (PubMed 21844811), please see nstd101.